The following is an entry in ClinVar:

NM_025114.4(CEP290):c.338T>A (p.Leu113Ter)

Gene: CEP290 (centrosomal protein 290; minus strand). Cytogenetic location: 12q21.32.
Variant type: single nucleotide variant.
Coding change: c.338T>A on transcript NM_025114.4 (MANE Select); coding-DNA position 338, T replaced by A.
Protein change: p.Leu113Ter; replaces leucine 113 with a stop codon.
Molecular consequence: nonsense.
Genome position (GRCh38, 1-based): chr12:88,136,746, A>T on the plus strand (T>A on the coding strand, the complement: CEP290 is on the minus strand). VCF-style: chr12-88136746-A-T. GRCh37 (hg19) VCF-style: chr12-88530523-A-T.
Other names: short protein forms L113*.
Identifiers: ClinVar variation 934120 (VCV000934120.8), dbSNP rs2040373653, ClinGen allele CA385987649.

ClinVar aggregate classification (germline): Pathogenic (1 of 4 stars; one submission).

Conditions:
Meckel-Gruber syndrome. Also called: Dysencephalia splachnocystica; DYSENCEPHALIA SPLANCHNOCYSTICA; GRUBER SYNDROME. Identifiers: Orphanet 564, MedGen C0265215, MONDO:0018921.
Nephronophthisis. Also called: Juvenile Nephronophthisis. Identifiers: Orphanet 655, MedGen C0687120, MONDO:0019005, HP:0000090.
Joubert syndrome. Also called: Familial aplasia of the vermis; CEREBELLOPARENCHYMAL DISORDER IV; JOUBERT-BOLTSHAUSER SYNDROME. Identifiers: Orphanet 475, MedGen C5979921, MONDO:0018772.

Submission:

Labcorp Genetics (formerly Invitae), Labcorp
Classification: Pathogenic for Joubert syndrome; Meckel-Gruber syndrome; Nephronophthisis. Last evaluated: 2019-05-22. Review status: criteria provided, single submitter. Criteria: Invitae Variant Classification Sherloc (09022015). Collection method: clinical testing. Allele origin: germline.
Comment: For these reasons, this variant has been classified as Pathogenic. Loss-of-function variants in CEP290 are known to be pathogenic (PMID: 16909394, 17345604, 20690115). This variant has not been reported in the literature in individuals with CEP290-related conditions. This variant is not present in population databases (ExAC no frequency). This sequence change creates a premature translational stop signal (p.Leu113*) in the CEP290 gene. It is expected to result in an absent or disrupted protein product.

Literature cited by the submitters: PubMed 16909394; PubMed 17345604; PubMed 20690115.